The following is an entry in ClinVar:

ClinVar aggregate classification (germline): Conflicting classifications of pathogenicity. Review status: criteria provided, conflicting classifications (1 of 4 stars). 4 submissions from 4 submitters: Uncertain significance (2); Likely benign (2). Last evaluated 2025-09-22.

Conditions:
Melanoma-pancreatic cancer syndrome. Identifiers: Orphanet 404560, MedGen C1838547, MONDO:0011713, OMIM 606719. Disease mechanism: loss of function.
Hereditary cancer-predisposing syndrome. Also called: Tumor predisposition; Hereditary Cancer Syndrome; Neoplastic Syndromes, Hereditary; Hereditary neoplastic syndrome. Identifiers: Orphanet 140162, MedGen C0027672, MeSH D009386, MONDO:0015356.
Familial melanoma. Also called: Hereditary melanoma; Hereditary cutaneous melanoma. Identifiers: Orphanet 618, MedGen C1512419, MONDO:0018961.

Allele frequency attached by ClinVar (database versions not stated): gnomAD exomes below 0.00001; gnomAD 0.00001; TOPMed 0.00001.

Submissions (4):

Labcorp Genetics (formerly Invitae), Labcorp
Classification: Likely benign for Familial melanoma. Last evaluated: 2025-09-22. Review status: criteria provided, single submitter. Criteria: Invitae Variant Classification Sherloc (09022015). Collection method: clinical testing. Allele origin: germline.

Molecular Pathology, Peter Maccallum Cancer Centre
Classification: Uncertain significance for Melanoma-pancreatic cancer syndrome. Last evaluated: 2025-03-06. Review status: criteria provided, single submitter. Criteria: ACMG Guidelines, 2015. Collection method: clinical testing. Allele origin: germline. Inheritance: Autosomal dominant inheritance.

Ambry Genetics
Classification: Uncertain significance for Hereditary cancer-predisposing syndrome. Last evaluated: 2023-01-26. Review status: criteria provided, single submitter. Criteria: Ambry Variant Classification Scheme 2023. Collection method: clinical testing. Allele origin: germline.
Comment: The c.388C>T variant (also known as p.L130L), located in coding exon 2 of the CDKN2A gene, results from a C to T substitution at nucleotide position 388. This nucleotide substitution does not change the leucine at codon 130. This nucleotide position is well conserved in available vertebrate species. In silico splice site analysis for this alteration is inconclusive; and direct evidence is insufficient at this time (Ambry internal data). Since supporting evidence is limited at this time, the clinical significance of this alteration remains unclear.

Color Diagnostics, LLC DBA Color Health
Classification: Likely benign for Hereditary cancer-predisposing syndrome. Last evaluated: 2017-09-14. Review status: criteria provided, single submitter. Criteria: ACMG Guidelines, 2015. Collection method: clinical testing. Allele origin: germline.

NM_000077.5(CDKN2A):c.388C>T (p.Leu130=)

Gene: CDKN2A (cyclin dependent kinase inhibitor 2A; minus strand). Cytogenetic location: 9p21.3.
Variant type: single nucleotide variant.
Coding change: c.388C>T on transcript NM_000077.5; coding-DNA position 388, C replaced by T.
Protein change: p.Leu130=; no amino-acid change (leucine 130 retained).
Molecular consequence: synonymous variant (on NM_000077.6). On other transcripts: 3 prime UTR variant (2).
Genome position (GRCh38, 1-based): chr9:21,970,971, G>A on the plus strand (C>T on the coding strand, the complement: CDKN2A is on the minus strand). VCF-style: chr9-21970971-G-A. GRCh37 (hg19) VCF-style: chr9-21970970-G-A.
Other names: c.388C>T, p.Leu130= (NM_000077.6, NM_001195132.2); c.235C>T, p.Leu79= (NM_001363763.2); c.*32C>T (NM_058195.4); c.*311C>T (NM_058197.5).
Identifiers: ClinVar variation 491575 (VCV000491575.15), dbSNP rs1060501261, ClinGen allele CA464261824.
Genomic context (GRCh38, chr9:21,970,971, plus strand): 5'-CTTCCGCGGCATCTATGCGGGCATGGTTACTGCCTCTGGTGCCCCCCGCAGCCGCGCGCA[G>A]GTACCGTGCGACATCGCGATGGCCCAGCTCCTCAGCCAGGTCCACGGGCAGACGGCCCCA-3'
Protein context (NP_000068.1, residues 120-140): ELGHRDVARY[Leu130=]RAAAGGTRGS